The following is an entry in ClinVar:

NM_020937.4(FANCM):c.552G>T (p.Lys184Asn)

Gene: FANCM (FA complementation group M; plus strand). Cytogenetic location: 14q21.2.
Variant type: single nucleotide variant.
Coding change: c.552G>T on transcript NM_020937.4 (MANE Select); coding-DNA position 552, G replaced by T.
Protein change: p.Lys184Asn; replaces lysine 184 with asparagine.
Molecular consequence: missense variant.
Genome position (GRCh38, 1-based): chr14:45,137,112, G>T. VCF-style: chr14-45137112-G-T. GRCh37 (hg19) VCF-style: chr14-45606315-G-T.
Other names: c.552G>T, p.Lys184Asn (NM_001308133.2, NM_001308134.2); short protein forms K184N.
Identifiers: ClinVar variation 1307637 (VCV001307637.3), dbSNP rs2139106491, ClinGen allele CA389588699.

ClinVar aggregate classification (germline): Uncertain significance. Review status: criteria provided, multiple submitters, no conflicts (2 of 4 stars). 2 submissions from 2 submitters: Uncertain significance (2). Last evaluated 2026-02-14.

Conditions:
Inborn genetic diseases. Identifiers: MedGen C0950123, MeSH D030342.

Submissions (2):

Ambry Genetics
Classification: Uncertain significance for Inborn genetic diseases. Last evaluated: 2026-02-14. Review status: criteria provided, single submitter. Criteria: Ambry Variant Classification Scheme 2023. Collection method: clinical testing. Allele origin: germline.
Comment: The p.K184N variant (also known as c.552G>T), located in coding exon 2 of the FANCM gene, results from a G to T substitution at nucleotide position 552. The lysine at codon 184 is replaced by asparagine, an amino acid with similar properties. This amino acid position is conserved. In addition, this alteration is predicted to be tolerated by in silico analysis. Based on the available evidence, the clinical significance of this variant remains unclear.

GeneDx
Classification: Uncertain significance. Last evaluated: 2019-08-12. Review status: criteria provided, single submitter. Criteria: GeneDx Variant Classification Process June 2021. Collection method: clinical testing. Allele origin: germline. Affected: yes.
Comment: Not observed in large population cohorts (Lek et al., 2016); In silico analysis, which includes protein predictors and evolutionary conservation, supports a deleterious effect; Has not been previously published as pathogenic or benign to our knowledge